The following is an entry in ClinVar:

ClinVar aggregate classification (germline): Uncertain significance. Review status: criteria provided, multiple submitters, no conflicts (2 of 4 stars). 2 submissions from 2 submitters: Uncertain significance (2). Last evaluated 2025-02-15.

Conditions:
Inborn genetic diseases. Identifiers: MedGen C0950123, MeSH D030342.
Glutamate pyruvate transaminase 2 deficiency (NEDSPM). Also called: Neurodevelopmental disorder with microcephaly and spastic paraplegia. Identifiers: Orphanet 477673, MedGen C4225388, MONDO:0014567, OMIM 616281.

Allele frequency attached by ClinVar (database versions not stated): ExAC 0.00002; gnomAD exomes 0.00004 and 0.00007; TOPMed 0.00004; gnomAD 0.00005.
gnomAD v4.1: 112 of 1,613,970 alleles (0.0069%); highest among the groups gnomAD compares: Non-Finnish European, 0.0092%; no homozygotes.

Submissions (2):

Ambry Genetics
Classification: Uncertain significance for Inborn genetic diseases. Last evaluated: 2025-02-15. Review status: criteria provided, single submitter. Criteria: Ambry Variant Classification Scheme 2023. Collection method: clinical testing. Allele origin: germline.

Baylor Genetics
Classification: Uncertain significance for Glutamate pyruvate transaminase 2 deficiency. Last evaluated: 2018-03-01. Review status: criteria provided, single submitter. Criteria: ACMG Guidelines, 2015. Collection method: clinical testing. Allele origin: unknown. Affected: yes.
Comment: This variant was determined to be of uncertain significance according to ACMG Guidelines, 2015 [PMID:25741868].

NM_133443.4(GPT2):c.371G>C (p.Ser124Thr)

Gene: GPT2 (glutamic--pyruvic transaminase 2; plus strand). Cytogenetic location: 16q11.2.
Variant type: single nucleotide variant.
Coding change: c.371G>C on transcript NM_133443.4 (MANE Select); coding-DNA position 371, G replaced by C.
Protein change: p.Ser124Thr; replaces serine 124 with threonine.
Molecular consequence: missense variant.
Genome position (GRCh38, 1-based): chr16:46,900,719, G>C. VCF-style: chr16-46900719-G-C. GRCh37 (hg19) VCF-style: chr16-46934631-G-C.
Other names: c.71G>C, p.Ser24Thr (NM_001142466.3); short protein forms S24T, S124T.
Identifiers: ClinVar variation 1031604 (VCV001031604.5), dbSNP rs776650490, ClinGen allele CA8038578.